The following is an entry in ClinVar:

NM_001079855.2(GYG2):c.335A>G (p.Asn112Ser)

Gene: GYG2 (glycogenin 2; plus strand). Cytogenetic location: Xp22.33.
Variant type: single nucleotide variant.
Coding change: c.335A>G on transcript NM_001079855.2 (MANE Select); coding-DNA position 335, A replaced by G.
Protein change: p.Asn112Ser; replaces asparagine 112 with serine.
Molecular consequence: missense variant. On other transcripts: 5 prime UTR variant (1).
Genome position (GRCh38, 1-based): chrX:2,855,003, A>G. VCF-style: chrX-2855003-A-G. GRCh37 (hg19) VCF-style: chrX-2773044-A-G.
Other names: c.335A>G, p.Asn112Ser (NM_001184702.2); c.428A>G, p.Asn143Ser (NM_001184703.2, NM_003918.3); c.-131A>G (NM_001184704.2); short protein forms N143S, N112S.
Identifiers: ClinVar variation 1900756 (VCV001900756.5), dbSNP rs767952548, ClinGen allele CA10337059.

ClinVar aggregate classification (germline): Uncertain significance (1 of 4 stars; one submission).

Allele frequency attached by ClinVar (database versions not stated): gnomAD 0.00001; ExAC 0.00002; gnomAD exomes 0.00002; TOPMed 0.00004.
gnomAD v4.1: 29 of 1,209,437 alleles (0.0024%); highest among the groups gnomAD compares: Middle Eastern, 0.046%; no homozygotes.

Submission:

Labcorp Genetics (formerly Invitae), Labcorp
Classification: Uncertain significance. Last evaluated: 2025-11-02. Review status: criteria provided, single submitter. Criteria: Invitae Variant Classification Sherloc (09022015). Collection method: clinical testing. Allele origin: germline.
Comment: This sequence change replaces asparagine, which is neutral and polar, with serine, which is neutral and polar, at codon 143 of the GYG2 protein (p.Asn143Ser). This variant is present in population databases (rs767952548, gnomAD 0.005%). This variant has not been reported in the literature in individuals affected with GYG2-related conditions. ClinVar contains an entry for this variant (Variation ID: 1900756). An algorithm developed to predict the effect of missense changes on protein structure and function (PolyPhen-2) suggests that this variant is likely to be disruptive. In summary, the available evidence is currently insufficient to determine the role of this variant in disease. Therefore, it has been classified as a Variant of Uncertain Significance.